The following is an entry in ClinVar:

ClinVar aggregate classification (germline): Uncertain significance (1 of 4 stars; one submission).

Conditions:
Cardiovascular phenotype. Identifiers: MedGen CN230736.

Allele frequency attached by ClinVar (database versions not stated): gnomAD exomes below 0.00001; ExAC 0.00001.
gnomAD v4.1: 1 of 1,613,096 alleles (0.000062%); highest among the groups gnomAD compares: Non-Finnish European, 0.000085%; no homozygotes.

Submission:

Ambry Genetics
Classification: Uncertain significance for Cardiovascular phenotype. Last evaluated: 2017-01-05. Review status: criteria provided, single submitter. Criteria: Ambry Variant Classification Scheme 2023. Collection method: clinical testing. Allele origin: germline.
Comment: The p.V15515I variant (also known as c.46543G>A), located in coding exon 153 of the TTN gene, results from a G to A substitution at nucleotide position 46543. The valine at codon 15515 is replaced by isoleucine, an amino acid with highly similar properties, and is located in the A-band region of the N2-B isoform of the titin protein. This amino acid position is not well conserved in available vertebrate species, and isoleucine is the reference amino acid in other vertebrate species. In addition, this alteration is predicted to be tolerated by in silico analysis. Since supporting evidence is limited at this time, the clinical significance of this alteration remains unclear.

NM_001267550.2(TTN):c.73738G>A (p.Val24580Ile)

Genes: TTN (titin; minus strand), TTN-AS1 (TTN antisense RNA 1; plus strand). Cytogenetic location: 2q31.2.
Variant type: single nucleotide variant.
Coding change: c.73738G>A on transcript NM_001267550.2 (MANE Select); coding-DNA position 73738, G replaced by A.
Protein change: p.Val24580Ile; replaces valine 24580 with isoleucine.
Molecular consequence: missense variant.
Genome position (GRCh38, 1-based): chr2:178,572,394, C>T on the plus strand (G>A on the coding strand, the complement: TTN is on the minus strand). VCF-style: chr2-178572394-C-T. GRCh37 (hg19) VCF-style: chr2-179437121-C-T.
Other names: c.68815G>A, p.Val22939Ile (NM_001256850.1); c.46543G>A, p.Val15515Ile (NM_003319.4); c.66034G>A, p.Val22012Ile (NM_133378.4); c.46918G>A, p.Val15640Ile (NM_133432.3); c.47119G>A, p.Val15707Ile (NM_133437.4); short protein forms V15515I, V24580I, V22012I, V22939I, V15640I, V15707I.
Identifiers: ClinVar variation 518968 (VCV000518968.5), dbSNP rs765510494, ClinGen allele CA1990324.
Genomic context (GRCh38, chr2:178,572,394, plus strand): 5'-CATATTCATTTTCTGCGAGAACCCTGAAATAGTAGCTACAGCCTTCTTGAAGCTGGTCTA[C>T]CTTCCAGGAAGTCTTGTGGCAGTTTGTTGCAACAGTTGAATATGCTTTTCTTGTTGATTC-3'
Protein context (NP_001254479.2, residues 24570-24590): ATNCHKTSWK[Val24580Ile]DQLQEGCSYY